The following is an entry in ClinVar:

ClinVar aggregate classification (germline): Likely benign. Review status: criteria provided, multiple submitters, no conflicts (2 of 4 stars). 4 submissions from 4 submitters: Likely benign (4). Last evaluated 2025-09-17.

Conditions:
Ehlers-Danlos syndrome, type 4 (EDSVASC). Also called: Ehlers-Danlos syndrome vascular type; Ehlers Danlos syndrome, ecchymotic type; Ehlers Danlos syndrome, arterial type; Ehlers Danlos syndrome, Sack-Barabas type; Ehlers-Danlos Syndrome Type IV. Identifiers: Orphanet 286, MedGen C0268338, MONDO:0017314, OMIM 130050.

Allele frequency attached by ClinVar (database versions not stated): TOPMed 0.00001; gnomAD 0.00002 and 0.00003; gnomAD exomes 0.00002; ExAC 0.00004; 1000 Genomes Project 30x 0.00016; 1000 Genomes Project 0.00020.
gnomAD v4.1: 34 of 1,613,830 alleles (0.0021%); highest among the groups gnomAD compares: Non-Finnish European, 0.0027%; no homozygotes.

Submissions (4):

Women's Health and Genetics/Laboratory Corporation of America, LabCorp
Classification: Likely benign. Last evaluated: 2025-09-17. Review status: criteria provided, single submitter. Criteria: LabCorp Variant Classification Summary - May 2015. Collection method: clinical testing. Allele origin: germline.

Labcorp Genetics (formerly Invitae), Labcorp
Classification: Likely benign for Ehlers-Danlos syndrome, type 4. Last evaluated: 2025-06-19. Review status: criteria provided, single submitter. Criteria: Invitae Variant Classification Sherloc (09022015). Collection method: clinical testing. Allele origin: germline.

Blueprint Genetics
Classification: Likely benign. Last evaluated: 2024-03-14. Review status: criteria provided, single submitter. Criteria: ACMG Guidelines, 2015. Collection method: clinical testing. Allele origin: germline.

GeneDx
Classification: Likely benign. Last evaluated: 2018-05-31. Review status: criteria provided, single submitter. Criteria: GeneDx Variant Classification (06012015). Collection method: clinical testing. Allele origin: germline. Affected: yes.
Comment: This variant is considered likely benign or benign based on one or more of the following criteria: it is a conservative change, it occurs at a poorly conserved position in the protein, it is predicted to be benign by multiple in silico algorithms, and/or has population frequency not consistent with disease.

NM_000090.4(COL3A1):c.2823+20T>A

Gene: COL3A1 (collagen type III alpha 1 chain; plus strand). Cytogenetic location: 2q32.2.
Variant type: single nucleotide variant.
Coding change: c.2823+20T>A on transcript NM_000090.4 (MANE Select); 20 bases into the intron after coding-DNA position 2823, T replaced by A.
Molecular consequence: intron variant.
Genome position (GRCh38, 1-based): chr2:189,004,163, T>A. VCF-style: chr2-189004163-T-A. GRCh37 (hg19) VCF-style: chr2-189868889-T-A.
Identifiers: ClinVar variation 669057 (VCV000669057.8), dbSNP rs577105300, ClinGen allele CA075616.